The following is an entry in ClinVar:

NM_001037.5(SCN1B):c.158C>A (p.Thr53Asn)

Gene: SCN1B (sodium voltage-gated channel beta subunit 1; plus strand). Cytogenetic location: 19q13.11.
Variant type: single nucleotide variant.
Coding change: c.158C>A on transcript NM_001037.5 (MANE Select); coding-DNA position 158, C replaced by A.
Protein change: p.Thr53Asn; replaces threonine 53 with asparagine.
Molecular consequence: missense variant.
Genome position (GRCh38, 1-based): chr19:35,032,645, C>A. VCF-style: chr19-35032645-C-A. GRCh37 (hg19) VCF-style: chr19-35523549-C-A.
Other names: c.59C>A, p.Thr20Asn (NM_001321605.2); c.158C>A, p.Thr53Asn (NM_199037.5); short protein forms T53N, T20N.
Identifiers: ClinVar variation 565664 (VCV000565664.12), dbSNP rs1568348711, ClinGen allele CA405328210.

ClinVar aggregate classification (germline): Uncertain significance. Review status: criteria provided, multiple submitters, no conflicts (2 of 4 stars). 2 submissions from 2 submitters: Uncertain significance (2). Last evaluated 2024-05-05.

Conditions:
Brugada syndrome 5 (BRGDA5). Identifiers: Orphanet 130, Orphanet 871, MedGen C2748541, MONDO:0013015, OMIM 612838.
Generalized epilepsy with febrile seizures plus, type 1 (GEFSP1). Also called: GEFS+, TYPE 1. Identifiers: Orphanet 36387, MedGen C1858672, MONDO:0011416, OMIM 604233.
Atrial fibrillation, familial, 13 (ATFB13). Identifiers: MedGen C3809311, MONDO:0014155, OMIM 615377.
Developmental and epileptic encephalopathy, 52 (DEE52). Also called: Epileptic encephalopathy, early infantile, 52. Identifiers: MedGen C4479236, MONDO:0033361, OMIM 617350.

Allele frequency attached by ClinVar (database versions not stated): gnomAD exomes below 0.00001.

Submissions (2):

Labcorp Genetics (formerly Invitae), Labcorp
Classification: Uncertain significance for Brugada syndrome 5. Last evaluated: 2024-05-05. Review status: criteria provided, single submitter. Criteria: Invitae Variant Classification Sherloc (09022015). Collection method: clinical testing. Allele origin: germline.
Comment: This sequence change replaces threonine, which is neutral and polar, with asparagine, which is neutral and polar, at codon 53 of the SCN1B protein (p.Thr53Asn). This variant is not present in population databases (gnomAD no frequency). This variant has not been reported in the literature in individuals affected with SCN1B-related conditions. ClinVar contains an entry for this variant (Variation ID: 565664). An algorithm developed to predict the effect of missense changes on protein structure and function (PolyPhen-2) suggests that this variant is likely to be disruptive. In summary, the available evidence is currently insufficient to determine the role of this variant in disease. Therefore, it has been classified as a Variant of Uncertain Significance.

Fulgent Genetics
Classification: Uncertain significance for Generalized epilepsy with febrile seizures plus, type 1; Brugada syndrome 5; Atrial fibrillation, familial, 13; Developmental and epileptic encephalopathy, 52. Last evaluated: 2018-10-31. Review status: criteria provided, single submitter. Criteria: ACMG Guidelines, 2015. Collection method: clinical testing. Allele origin: unknown.